The following is an entry in ClinVar:

ClinVar aggregate classification (germline): Uncertain significance. Review status: criteria provided, single submitter (1 of 4 stars). 2 submissions from 2 submitters: Uncertain significance (1). 1 of the submissions does not count toward it. Last evaluated 2022-03-09.

Conditions:
Muscle eye brain disease (MEB). Also called: Santavuori congenital muscular dystrophy. Identifiers: Orphanet 588, Orphanet 899, MedGen C0457133, MONDO:0018939.
Muscular dystrophy-dystroglycanopathy (congenital with impaired intellectual development), type B, 3. Also called: Muscular dystrophy-dystroglycanopathy (congenital with intellectual disability), type B3; MUSCULAR DYSTROPHY, CONGENITAL, POMGNT1-RELATED. Identifiers: MedGen C3150412, MONDO:0013155, OMIM 613151.
Autosomal recessive limb-girdle muscular dystrophy type 2O. Also called: Limb-Girdle Muscular Dystrophy Type 3C; MUSCULAR DYSTROPHY-DYSTROGLYCANOPATHY (LIMB-GIRDLE), TYPE C, 3; MUSCULAR DYSTROPHY-DYSTROGLYCANOPATHY, LIMB-GIRDLE, POMGNT1-RELATED. Identifiers: Orphanet 206564, MedGen C3150417, MONDO:0013161, OMIM 613157.

Allele frequency attached by ClinVar (database versions not stated): gnomAD 0.00001 and below 0.00001; gnomAD exomes 0.00002 and 0.00001; ExAC 0.00003; TOPMed below 0.00001.
gnomAD v4.1: 20 of 1,613,934 alleles (0.0012%); highest among the groups gnomAD compares: South Asian, 0.0044%; no homozygotes.

Submissions (2):

Labcorp Genetics (formerly Invitae), Labcorp
Classification: Uncertain significance for Autosomal recessive limb-girdle muscular dystrophy type 2O; Muscular dystrophy-dystroglycanopathy (congenital with impaired intellectual development), type B, 3. Last evaluated: 2022-03-09. Review status: criteria provided, single submitter. Criteria: Invitae Variant Classification Sherloc (09022015). Collection method: clinical testing. Allele origin: germline.
Comment: This sequence change replaces threonine, which is neutral and polar, with methionine, which is neutral and non-polar, at codon 140 of the POMGNT1 protein (p.Thr140Met). This variant is present in population databases (rs766157232, gnomAD 0.006%). This variant has not been reported in the literature in individuals affected with POMGNT1-related conditions. ClinVar contains an entry for this variant (Variation ID: 569569). Algorithms developed to predict the effect of missense changes on protein structure and function (SIFT, PolyPhen-2, Align-GVGD) all suggest that this variant is likely to be disruptive. In summary, the available evidence is currently insufficient to determine the role of this variant in disease. Therefore, it has been classified as a Variant of Uncertain Significance.

Natera, Inc.
Classification: Uncertain significance for Muscle-eye-brain disease. Last evaluated: 2019-10-28. Review status: no assertion criteria provided. Collection method: clinical testing. Allele origin: germline. Not counted in ClinVar's aggregate classification.

NM_017739.4(POMGNT1):c.419C>T (p.Thr140Met)

Genes: POMGNT1 (protein O-linked mannose N-acetylglucosaminyltransferase 1 (beta 1,2-); minus strand), TSPAN1 (tetraspanin 1; plus strand). Cytogenetic location: 1p34.1.
Variant type: single nucleotide variant.
Coding change: c.419C>T on transcript NM_017739.4 (MANE Select); coding-DNA position 419, C replaced by T.
Protein change: p.Thr140Met; replaces threonine 140 with methionine.
Molecular consequence: missense variant. On other transcripts: 5 prime UTR variant (1).
Genome position (GRCh38, 1-based): chr1:46,196,013, G>A on the plus strand (C>T on the coding strand, the complement: POMGNT1 is on the minus strand). VCF-style: chr1-46196013-G-A. GRCh37 (hg19) VCF-style: chr1-46661685-G-A.
Other names: c.419C>T, p.Thr140Met (NM_001243766.2, NM_001410783.1); c.353C>T, p.Thr118Met (NM_001290129.3); c.-11C>T (NM_001290130.2); short protein forms T140M, T118M.
Identifiers: ClinVar variation 569569 (VCV000569569.4), dbSNP rs766157232, ClinGen allele CA833744.